The following is an entry in ClinVar:

ClinVar aggregate classification (germline): Uncertain significance (1 of 4 stars; one submission).

gnomAD v4.1: 4 of 1,603,724 alleles (0.00025%); highest among the groups gnomAD compares: African/African-American, 0.0054%; no homozygotes.

Submission:

Labcorp Genetics (formerly Invitae), Labcorp
Classification: Uncertain significance. Last evaluated: 2025-12-17. Review status: criteria provided, single submitter. Criteria: Invitae Variant Classification Sherloc (09022015). Collection method: clinical testing. Allele origin: germline.
Comment: This sequence change falls in intron 61 of the FBN3 gene. It does not directly change the encoded amino acid sequence of the FBN3 protein. It affects a nucleotide within the consensus splice site. This variant is not present in population databases (gnomAD no frequency). This variant has not been reported in the literature in individuals affected with FBN3-related conditions. Variants that disrupt the consensus splice site are a relatively common cause of aberrant splicing (PMID: 17576681, 9536098). Algorithms developed to predict the effect of sequence changes on RNA splicing suggest that this variant may disrupt the consensus splice site. In summary, the available evidence is currently insufficient to determine the role of this variant in disease. Therefore, it has been classified as a Variant of Uncertain Significance.

Literature cited by the submitters: PubMed 17576681; PubMed 9536098.

NM_032447.5(FBN3):c.7702+4A>G

Gene: FBN3 (fibrillin 3; minus strand). Cytogenetic location: 19p13.2.
Variant type: single nucleotide variant.
Coding change: c.7702+4A>G on transcript NM_032447.5 (MANE Select); 4 bases into the intron after coding-DNA position 7702, A replaced by G.
Molecular consequence: intron variant.
Genome position (GRCh38, 1-based): chr19:8,075,067, T>C on the plus strand (A>G on the coding strand, the complement: FBN3 is on the minus strand). VCF-style: chr19-8075067-T-C. GRCh37 (hg19) VCF-style: chr19-8139951-T-C.
Other names: c.7702+4A>G (NM_001321431.2).
Identifiers: ClinVar variation 4745479 (VCV004745479.1).